The following is an entry in ClinVar:

ClinVar aggregate classification (germline): Uncertain significance (1 of 4 stars; one submission).

gnomAD v4.1: 659 of 1,466,274 alleles (0.045%); highest among the groups gnomAD compares: East Asian, 0.053%; no homozygotes.

Submission:

Ambry Genetics
Classification: Uncertain significance. Last evaluated: 2024-11-18. Review status: criteria provided, single submitter. Criteria: Ambry Variant Classification Scheme 2023. Collection method: clinical testing. Allele origin: germline.
Comment: The p.T676M variant (also known as c.2027C>T), located in coding exon 8 of the WNK2 gene, results from a C to T substitution at nucleotide position 2027. The threonine at codon 676 is replaced by methionine, an amino acid with similar properties. This amino acid position is conserved. In addition, this alteration is predicted to be tolerated by in silico analysis. Based on the available evidence, the clinical significance of this variant remains unclear.

NM_006648.4(WNK2):c.2027C>T (p.Thr676Met)

Gene: WNK2 (WNK lysine deficient protein kinase 2; plus strand). Cytogenetic location: 9q22.31.
Variant type: single nucleotide variant.
Coding change: c.2027C>T on transcript NM_006648.4 (MANE Select); coding-DNA position 2027, C replaced by T.
Protein change: p.Thr676Met; replaces threonine 676 with methionine.
Molecular consequence: missense variant.
Genome position (GRCh38, 1-based): chr9:93,253,075, C>T. VCF-style: chr9-93253075-C-T. GRCh37 (hg19) VCF-style: chr9-96015357-C-T.
Other names: c.2027C>T, p.Thr676Met (NM_001282394.3); short protein forms T676M.
Identifiers: ClinVar variation 3470187 (VCV003470187.1).
Genomic context (GRCh38, chr9:93,253,075, plus strand): 5'-TGAGCGAGGGGCCCGTCCTGCCGCAGAGCCTGCCCTCGCTGGGGGCCTACCAGCAGCCCA[C>T]GGCTGCAGTGAGTCAGAGCATCACTCCCACCCCCTTCCCCATCCCCATTACCTGGTCTGA-3'
Protein context (NP_006639.3, residues 666-686): LPSLGAYQQP[Thr676Met]AAPGLPVGSV